The following is an entry in ClinVar:

ClinVar aggregate classification (germline): Uncertain significance. Review status: criteria provided, multiple submitters, no conflicts (2 of 4 stars). 2 submissions from 2 submitters: Uncertain significance (2). Last evaluated 2024-07-10.

Conditions:
Familial thoracic aortic aneurysm and aortic dissection (TAAD). Also called: Thoracic aortic aneurysms and dissections. Identifiers: Orphanet 91387, MedGen C4707243, MONDO:0019625.
Ehlers-Danlos syndrome, type 4 (EDSVASC). Also called: Ehlers-Danlos Syndrome Type IV; Ehlers-Danlos syndrome vascular type; Ehlers Danlos syndrome, ecchymotic type; Ehlers Danlos syndrome, arterial type; Ehlers Danlos syndrome, Sack-Barabas type. Identifiers: Orphanet 286, MedGen C0268338, MONDO:0017314, OMIM 130050.

Submissions (2):

All of Us Research Program, National Institutes of Health
Classification: Uncertain significance for Ehlers-Danlos syndrome, type 4. Last evaluated: 2024-07-10. Review status: criteria provided, single submitter. Criteria: ACMG Guidelines, 2015. Collection method: clinical testing. Allele origin: germline. Inheritance: Autosomal dominant inheritance. Observed: 1 variant allele, 1 heterozygote.
Comment: This missense variant replaces glycine with alanine at codon 139 of the COL3A1 protein. Computational prediction suggests that this variant may have deleterious impact on protein structure and function (internally defined REVEL score threshold >= 0.7, PMID: 27666373). To our knowledge, functional studies have not been reported for this variant. This variant has not been reported in individuals affected with COL3A1-related disorders in the literature. This variant has not been identified in the general population by the Genome Aggregation Database (gnomAD). The available evidence is insufficient to determine the role of this variant in disease conclusively. Therefore, this variant is classified as a Variant of Uncertain Significance.

This study involves interpretation of variants in research participants for the purpose of population health screening. Participant phenotype was not available at the time of variant classification. Additional details can be found in publication PMID: 35346344, PMCID: PMC8962531

Color Diagnostics, LLC DBA Color Health
Classification: Uncertain significance for Familial thoracic aortic aneurysm and aortic dissection. Last evaluated: 2023-08-28. Review status: criteria provided, single submitter. Criteria: ACMG Guidelines, 2015. Collection method: clinical testing. Allele origin: germline.
Comment: This missense variant replaces glycine with alanine at codon 139 of the COL3A1 protein. Computational prediction suggests that this variant may have deleterious impact on protein structure and function (internally defined REVEL score threshold >= 0.7, PMID: 27666373). To our knowledge, functional studies have not been reported for this variant. This variant has not been reported in individuals affected with COL3A1-related disorders in the literature. This variant has not been identified in the general population by the Genome Aggregation Database (gnomAD). The available evidence is insufficient to determine the role of this variant in disease conclusively. Therefore, this variant is classified as a Variant of Uncertain Significance.

NM_000090.4(COL3A1):c.416G>C (p.Gly139Ala)

Gene: COL3A1 (collagen type III alpha 1 chain; plus strand). Cytogenetic location: 2q32.2.
Variant type: single nucleotide variant.
Coding change: c.416G>C on transcript NM_000090.4 (MANE Select); coding-DNA position 416, G replaced by C.
Protein change: p.Gly139Ala; replaces glycine 139 with alanine.
Molecular consequence: missense variant.
Genome position (GRCh38, 1-based): chr2:188,985,747, G>C. VCF-style: chr2-188985747-G-C. GRCh37 (hg19) VCF-style: chr2-189850473-G-C.
Other names: short protein forms G139A.
Identifiers: ClinVar variation 2775084 (VCV002775084.3), dbSNP rs1688053387, ClinGen allele CA349847944.